The following is an entry in ClinVar:

NM_203447.4(DOCK8):c.5356G>A (p.Asp1786Asn)

Gene: DOCK8 (dedicator of cytokinesis 8; plus strand). Cytogenetic location: 9p24.3.
Variant type: single nucleotide variant.
Coding change: c.5356G>A on transcript NM_203447.4 (MANE Select); coding-DNA position 5356, G replaced by A.
Protein change: p.Asp1786Asn; replaces aspartic acid 1786 with asparagine.
Molecular consequence: missense variant.
Genome position (GRCh38, 1-based): chr9:441,875, G>A. VCF-style: chr9-441875-G-A. GRCh37 (hg19) VCF-style: chr9-441875-G-A.
Other names: c.5056G>A, p.Asp1686Asn (NM_001190458.2); c.5152G>A, p.Asp1718Asn (NM_001193536.2); short protein forms D1718N, D1786N, D1686N.
Identifiers: ClinVar variation 2140950 (VCV002140950.4), dbSNP rs769920758, ClinGen allele CA4959417.

ClinVar aggregate classification (germline): Uncertain significance. Review status: criteria provided, multiple submitters, no conflicts (2 of 4 stars). 2 submissions from 2 submitters: Uncertain significance (2). Last evaluated 2023-02-16.

Conditions:
Hyper-IgE recurrent infection syndrome 3, autosomal recessive. Also called: Autosomal recessive hyper-IgE syndrome due to ZNF341 deficiency; HYPER-IgE SYNDROME 3, AUTOSOMAL RECESSIVE, WITH RECURRENT INFECTIONS. Identifiers: Orphanet 641368, MedGen C4748969, MONDO:0032654, OMIM 618282.
Inborn genetic diseases. Identifiers: MedGen C0950123, MeSH D030342.

Allele frequency attached by ClinVar (database versions not stated): gnomAD 0.00001; TOPMed 0.00001; gnomAD exomes 0.00002; ExAC 0.00001.
gnomAD v4.1: 14 of 1,613,988 alleles (0.00087%); highest among the groups gnomAD compares: Non-Finnish European, 0.0012%; no homozygotes.

Submissions (2):

Ambry Genetics
Classification: Uncertain significance for Inborn genetic diseases. Last evaluated: 2023-02-16. Review status: criteria provided, single submitter. Criteria: Ambry Variant Classification Scheme 2023. Collection method: clinical testing. Allele origin: germline.

Labcorp Genetics (formerly Invitae), Labcorp
Classification: Uncertain significance for Combined immunodeficiency due to DOCK8 deficiency. Last evaluated: 2022-04-26. Review status: criteria provided, single submitter. Criteria: Invitae Variant Classification Sherloc (09022015). Collection method: clinical testing. Allele origin: germline.
Comment: This sequence change replaces aspartic acid, which is acidic and polar, with asparagine, which is neutral and polar, at codon 1786 of the DOCK8 protein (p.Asp1786Asn). This variant is present in population databases (rs769920758, gnomAD 0.002%). This variant has not been reported in the literature in individuals affected with DOCK8-related conditions. Algorithms developed to predict the effect of missense changes on protein structure and function (SIFT, PolyPhen-2, Align-GVGD) all suggest that this variant is likely to be tolerated. In summary, the available evidence is currently insufficient to determine the role of this variant in disease. Therefore, it has been classified as a Variant of Uncertain Significance.